The following is an entry in ClinVar:

ClinVar aggregate classification (germline): Likely benign. Review status: criteria provided, multiple submitters, no conflicts (2 of 4 stars). 3 submissions from 3 submitters: Likely benign (2). 1 of the submissions does not count toward it. Last evaluated 2026-01-25.

Conditions:
RNF168-related disorder. Also called: RNF168-related condition.

Allele frequency attached by ClinVar (database versions not stated): ExAC 0.00002; gnomAD 0.00003; gnomAD exomes 0.00003; TOPMed 0.00005; 1000 Genomes Project 30x 0.00062; 1000 Genomes Project 0.00080.
gnomAD v4.1: 78 of 1,613,596 alleles (0.0048%); highest among the groups gnomAD compares: Admixed American, 0.11%; no homozygotes.

Submissions (3):

Labcorp Genetics (formerly Invitae), Labcorp
Classification: Likely benign. Last evaluated: 2026-01-25. Review status: criteria provided, single submitter. Criteria: Invitae Variant Classification Sherloc (09022015). Collection method: clinical testing. Allele origin: germline.

Blueprint Genetics
Classification: Likely benign. Last evaluated: 2022-01-14. Review status: criteria provided, single submitter. Criteria: ACMG Guidelines, 2015. Collection method: clinical testing. Allele origin: germline.

PreventionGenetics, part of Exact Sciences
Classification: Likely benign for RNF168-related condition. Last evaluated: 2023-11-30. Review status: no assertion criteria provided. Collection method: clinical testing. Allele origin: germline. Not counted in ClinVar's aggregate classification.
Comment: This variant is classified as likely benign based on ACMG/AMP sequence variant interpretation guidelines (Richards et al. 2015 PMID: 25741868, with internal and published modifications).

NM_152617.4(RNF168):c.1134C>T (p.Cys378=)

Gene: RNF168 (ring finger protein 168; minus strand). Cytogenetic location: 3q29.
Variant type: single nucleotide variant.
Coding change: c.1134C>T on transcript NM_152617.4 (MANE Select); coding-DNA position 1134, C replaced by T.
Protein change: p.Cys378=; no amino-acid change (cysteine 378 retained).
Molecular consequence: synonymous variant.
Genome position (GRCh38, 1-based): chr3:196,472,401, G>A on the plus strand (C>T on the coding strand, the complement: RNF168 is on the minus strand). VCF-style: chr3-196472401-G-A. GRCh37 (hg19) VCF-style: chr3-196199272-G-A.
Identifiers: ClinVar variation 739942 (VCV000739942.12), dbSNP rs200929378, ClinGen allele CA2780722.